The following is an entry in ClinVar:

ClinVar aggregate classification (germline): Uncertain significance (1 of 4 stars; one submission).

gnomAD v4.1: 7 of 1,611,020 alleles (0.00043%); highest among the groups gnomAD compares: Non-Finnish European, 0.00051%; no homozygotes.

Submission:

Laboratory for Molecular Medicine, Mass General Brigham Personalized Medicine
Classification: Uncertain significance. Last evaluated: 2018-10-30. Review status: criteria provided, single submitter. Criteria: LMM Criteria. Collection method: clinical testing. Allele origin: germline. Observed: 1 variant allele.
Comment: Variant classified as Uncertain Significance - Favor Pathogenic. The c.6273+5G>T variant in MYO15A has not been previously reported in individuals with hearing loss and was absent from large population studies. This variant is located withi n the 5' splice region. Computational tools predict a splicing impact, though th is information is not predictive enough to determine pathogenicity. In summary, while there is some suspicion for a pathogenic role, the clinical significance o f the c.6273+5G>T variant is uncertain. ACMG/AMP Criteria applied: PM2, PP3.

NM_016239.4(MYO15A):c.6273+5G>T

Gene: MYO15A (myosin XVA; plus strand). Cytogenetic location: 17p11.2.
Variant type: single nucleotide variant.
Coding change: c.6273+5G>T on transcript NM_016239.4 (MANE Select); 5 bases into the intron after coding-DNA position 6273, G replaced by T.
Molecular consequence: intron variant.
Genome position (GRCh38, 1-based): chr17:18,144,597, G>T. VCF-style: chr17-18144597-G-T. GRCh37 (hg19) VCF-style: chr17-18047911-G-T.
Identifiers: ClinVar variation 666873 (VCV000666873.4), dbSNP rs1597797058, ClinGen allele CA915949626.
Genomic context (GRCh38, chr17:18,144,597, plus strand): 5'-CCCTCACGCAGCTGCCAGCCGAGCACCATGCAGAAGCCGTGAGCATCTTCAAGCTGGTAT[G>T]GGGTCTGCCCCAGCCCACCTTCTAATTCTTAGCCCCTGGCCCTGAAACTGGGCCATGAGG-3'